The following is an entry in ClinVar:

NM_000140.5(FECH):c.1137+2T>G

Gene: FECH (ferrochelatase; minus strand). Cytogenetic location: 18q21.31.
Variant type: single nucleotide variant.
Coding change: c.1137+2T>G on transcript NM_000140.5 (MANE Select); the canonical splice donor site of the intron after coding-DNA position 1137, T replaced by G.
Molecular consequence: splice donor variant. On other transcripts: intron variant (1).
Genome position (GRCh38, 1-based): chr18:57,551,313, A>C on the plus strand (T>G on the coding strand, the complement: FECH is on the minus strand). VCF-style: chr18-57551313-A-C. GRCh37 (hg19) VCF-style: chr18-55218545-A-C.
Other names: c.1038+2T>G (NM_001371094.1); c.1078-467T>G (NM_001374778.1); c.1155+2T>G (NM_001012515.4); c.921+2T>G (NM_001371095.1).
Identifiers: ClinVar variation 2736731 (VCV002736731.3), dbSNP rs2511512432, ClinGen allele CA402539116.

ClinVar aggregate classification (germline): Pathogenic (1 of 4 stars; one submission).

Allele frequency attached by ClinVar (database versions not stated): gnomAD exomes below 0.00001.
gnomAD v4.1: 3 of 1,604,444 alleles (0.00019%); highest among the groups gnomAD compares: Non-Finnish European, 0.00026%; no homozygotes.

Submission:

Labcorp Genetics (formerly Invitae), Labcorp
Classification: Pathogenic. Last evaluated: 2023-05-15. Review status: criteria provided, single submitter. Criteria: Invitae Variant Classification Sherloc (09022015). Collection method: clinical testing. Allele origin: germline.
Comment: Disruption of this splice site has been observed in individual(s) with clinical features of erythropoietic protoporphyria (PMID: 20105171; Invitae). This variant is not present in population databases (gnomAD no frequency). This sequence change affects a donor splice site in intron 10 of the FECH gene. While this variant is not anticipated to result in nonsense mediated decay, it likely alters RNA splicing and results in a disrupted protein product. Variants that disrupt the consensus splice site are a relatively common cause of aberrant splicing (PMID: 17576681, 9536098). Algorithms developed to predict the effect of sequence changes on RNA splicing suggest that this variant may disrupt the consensus splice site. For these reasons, this variant has been classified as Pathogenic. This variant disrupts a region of the FECH protein in which other variant(s) (p.Cys411Gly) have been determined to be pathogenic (PMID: 10942404, 16385445, 20105171, 33021473). This suggests that this is a clinically significant region of the protein, and that variants that disrupt it are likely to be disease-causing.

Literature cited by the submitters: PubMed 20105171; PubMed 17576681; PubMed 9536098; PubMed 10942404; PubMed 16385445; PubMed 33021473.